The following is an entry in ClinVar:

ClinVar aggregate classification (germline): Uncertain significance (1 of 4 stars; one submission).

Conditions:
POLA1-related disorder. Also called: POLA1-related condition.

gnomAD v4.1: 1 of 1,174,402 alleles (0.000085%); highest among the groups gnomAD compares: Middle Eastern, 0.024%; no homozygotes.

Submission:

PreventionGenetics, part of Exact Sciences
Classification: Uncertain significance for POLA1-related condition. Last evaluated: 2023-06-07. Review status: criteria provided, single submitter. Criteria: ACMG Guidelines, 2015. Collection method: clinical testing. Allele origin: germline.
Comment: The POLA1 c.37T>C variant is predicted to result in the amino acid substitution p.Ser13Pro. To our knowledge, this variant has not been reported in the literature or in a large population database, indicating this variant is rare. At this time, the clinical significance of this variant is uncertain due to the absence of conclusive functional and genetic evidence.

NM_001330360.2(POLA1):c.55T>C (p.Ser19Pro)

Gene: POLA1 (DNA polymerase alpha 1, catalytic subunit; plus strand). Cytogenetic location: Xp22.11.
Variant type: single nucleotide variant.
Coding change: c.55T>C on transcript NM_001330360.2 (MANE Select); coding-DNA position 55, T replaced by C.
Protein change: p.Ser19Pro; replaces serine 19 with proline.
Molecular consequence: missense variant. On other transcripts: non-coding transcript variant (2).
Genome position (GRCh38, 1-based): chrX:24,699,436, T>C. VCF-style: chrX-24699436-T-C. GRCh37 (hg19) VCF-style: chrX-24717553-T-C.
Other names: c.55T>C, p.Ser19Pro (NM_001378303.1); c.37T>C, p.Ser13Pro (NM_016937.4); short protein forms S13P, S19P.
Identifiers: ClinVar variation 2632369 (VCV002632369.1), dbSNP rs2518705653, ClinGen allele CA412609787.